The following is an entry in ClinVar:

NM_203447.4(DOCK8):c.5543C>A (p.Ser1848Tyr)

Gene: DOCK8 (dedicator of cytokinesis 8; plus strand). Cytogenetic location: 9p24.3.
Variant type: single nucleotide variant.
Coding change: c.5543C>A on transcript NM_203447.4 (MANE Select); coding-DNA position 5543, C replaced by A.
Protein change: p.Ser1848Tyr; replaces serine 1848 with tyrosine.
Molecular consequence: missense variant.
Genome position (GRCh38, 1-based): chr9:443,479, C>A. VCF-style: chr9-443479-C-A. GRCh37 (hg19) VCF-style: chr9-443479-C-A.
Other names: c.5243C>A, p.Ser1748Tyr (NM_001190458.2); c.5339C>A, p.Ser1780Tyr (NM_001193536.2); short protein forms S1748Y, S1780Y, S1848Y.
Identifiers: ClinVar variation 1445032 (VCV001445032.6), dbSNP rs2131823623, ClinGen allele CA372768671.
Genomic context (GRCh38, chr9:443,479, plus strand): 5'-TTACCTAGGCATTTTATGGTCAATGTTTTGGTGCAGAATTTGTGGAAGTGATTAAAGACT[C>A]CACTCCTGTGGACAAAACCAAGTTGGATCCTAACAAGGTATACAAAAATTTACAAAAACT-3'
Protein context (NP_982272.2, residues 1838-1858): GAEFVEVIKD[Ser1848Tyr]TPVDKTKLDP

ClinVar aggregate classification (germline): Uncertain significance (1 of 4 stars; one submission).

Conditions:
Combined immunodeficiency due to DOCK8 deficiency (HIES2). Also called: HYPER-IgE SYNDROME 2, AUTOSOMAL RECESSIVE, WITH RECURRENT INFECTIONS; HIES autosomal recessive; DOCK8 Deficiency; HYPER-IgE RECURRENT INFECTION SYNDROME 2, AUTOSOMAL RECESSIVE; Hyper-IgE recurrent infection syndrome, autosomal recessive. Identifiers: Orphanet 217390, MedGen C4722305, MONDO:0009478, OMIM 243700.

Submission:

Labcorp Genetics (formerly Invitae), Labcorp
Classification: Uncertain significance for Combined immunodeficiency due to DOCK8 deficiency. Last evaluated: 2021-08-19. Review status: criteria provided, single submitter. Criteria: Invitae Variant Classification Sherloc (09022015). Collection method: clinical testing. Allele origin: germline.
Comment: In summary, the available evidence is currently insufficient to determine the role of this variant in disease. Therefore, it has been classified as a Variant of Uncertain Significance. Algorithms developed to predict the effect of missense changes on protein structure and function are either unavailable or do not agree on the potential impact of this missense change (SIFT: "Deleterious"; PolyPhen-2: "Probably Damaging"; Align-GVGD: "Class C15"). This variant has not been reported in the literature in individuals affected with DOCK8-related conditions. This variant is not present in population databases (ExAC no frequency). This sequence change replaces serine with tyrosine at codon 1848 of the DOCK8 protein (p.Ser1848Tyr). The serine residue is highly conserved and there is a large physicochemical difference between serine and tyrosine.